The following is an entry in ClinVar:

ClinVar aggregate classification (germline): Uncertain significance (1 of 4 stars; one submission).

Submission:

Women's Health and Genetics/Laboratory Corporation of America, LabCorp
Classification: Uncertain significance. Last evaluated: 2021-10-27. Review status: criteria provided, single submitter. Criteria: LabCorp Variant Classification Summary - May 2015. Collection method: clinical testing. Allele origin: germline.
Comment: Variant summary: The variant identified by MLPA or other technology involves the duplication of exons 11-15 in the CDH1 gene. A presumed nomenclature of c.(1565+1_1566-1)_(2439+1_2440-1)dup has been designated for the purposes of this classification. It has been assumed that this is a tandem duplication in direct orientation (Richardson_GIM_2018, Newman_AJHG_2015). Although exact breakpoints of this duplication are not known, it is expected to result in a large in-frame duplication change in the CDH1 gene by Alamut tool. The variant was absent in 21694 control chromosomes (gnomAD SVs). The available data on variant occurrences in the general population are insufficient to allow any conclusion about variant significance. To our knowledge, no occurrence of c.(1565+1_1566-1)_(2439+1_2440-1)dup in individuals affected with Hereditary Diffuse Gastric Cancer and no experimental evidence demonstrating its impact on protein function have been reported. One ClinVar submitter (evaluation after 2014) cites the variant as likely pathogenic. Based on the evidence outlined above, the variant was classified as uncertain significance.

NC_000016.9:g.(68849663_68853182)_(68863701_68867192)dup

Gene: CDH1 (cadherin 1; plus strand). Cytogenetic location: 16q22.1.
Variant type: Duplication.
Identifiers: ClinVar variation 1321430 (VCV001321430.1).